The following is an entry in ClinVar:

ClinVar aggregate classification (germline): Conflicting classifications of pathogenicity. Review status: criteria provided, conflicting classifications (1 of 4 stars). 2 submissions from 2 submitters: Uncertain significance (1); Likely benign (1). Last evaluated 2023-04-11.

Conditions:
Myasthenic syndrome, congenital, 22 (CMS22). Also called: PREPL DEFICIENCY. Identifiers: MedGen C4479088, MONDO:0044299, OMIM 616224.
Inborn genetic diseases. Identifiers: MedGen C0950123, MeSH D030342.

Allele frequency attached by ClinVar (database versions not stated): gnomAD 0.00001; gnomAD exomes 0.00001 and 0.00008; TOPMed 0.00001.
gnomAD v4.1: 119 of 1,609,616 alleles (0.0074%); highest among the groups gnomAD compares: Non-Finnish European, 0.0097%; no homozygotes.

Submissions (2):

Ambry Genetics
Classification: Likely benign for Inborn genetic diseases. Last evaluated: 2023-04-11. Review status: criteria provided, single submitter. Criteria: Ambry Variant Classification Scheme 2023. Collection method: clinical testing. Allele origin: germline.

Labcorp Genetics (formerly Invitae), Labcorp
Classification: Uncertain significance for Myasthenic syndrome, congenital, 22. Last evaluated: 2022-09-06. Review status: criteria provided, single submitter. Criteria: Invitae Variant Classification Sherloc (09022015). Collection method: clinical testing. Allele origin: germline.
Comment: This sequence change replaces threonine, which is neutral and polar, with serine, which is neutral and polar, at codon 5 of the PREPL protein (p.Thr5Ser). This variant is present in population databases (no rsID available, gnomAD 0.005%). This variant has not been reported in the literature in individuals affected with PREPL-related conditions. ClinVar contains an entry for this variant (Variation ID: 957622). Algorithms developed to predict the effect of missense changes on protein structure and function output the following: SIFT: "Tolerated"; PolyPhen-2: "Benign"; Align-GVGD: "Class C0". The serine amino acid residue is found in multiple mammalian species, which suggests that this missense change does not adversely affect protein function. In summary, the available evidence is currently insufficient to determine the role of this variant in disease. Therefore, it has been classified as a Variant of Uncertain Significance.

NM_001171613.2(PREPL):c.-49+1678C>G

Gene: PREPL (prolyl endopeptidase like; minus strand). Cytogenetic location: 2p21.
Variant type: single nucleotide variant.
Coding change: c.-49+1678C>G on transcript NM_001171613.2 (MANE Select); 1678 bases into the intron after 49 bases upstream of the start codon, C replaced by G.
Molecular consequence: intron variant. On other transcripts: missense variant (7).
Genome position (GRCh38, 1-based): chr2:44,359,702, G>C on the plus strand (C>G on the coding strand, the complement: PREPL is on the minus strand). VCF-style: chr2-44359702-G-C. GRCh37 (hg19) VCF-style: chr2-44586841-G-C.
Other names: c.14C>G, p.Thr5Ser (NM_006036.4, NM_001042385.2, NM_001042386.2 and 4 more transcripts); c.-49+1822C>G (NM_001171617.1); c.-49+1715C>G (NM_001374277.1); short protein forms T5S.
Identifiers: ClinVar variation 957622 (VCV000957622.8), dbSNP rs1217582584, ClinGen allele CA346695178.